The following is an entry in ClinVar:

NM_002114.4(HIVEP1):c.7723del (p.Gln2575fs)

Gene: HIVEP1 (HIVEP zinc finger 1; plus strand). Cytogenetic location: 6p24.1.
Variant type: Deletion.
Coding change: c.7723del on transcript NM_002114.4 (MANE Select); coding-DNA position 7723, one base deleted (C; older notation c.7723delC).
Protein change: p.Gln2575fs; shifts the reading frame from glutamine 2575.
Molecular consequence: frameshift variant.
Genome position (GRCh38, 1-based): chr6:12,164,027, C deleted; the last of 3 consecutive C bases (chr6:12,164,025-12,164,027); deleting any one gives the same sequence. VCF-style (leftmost placement, unchanged base first): chr6-12164024-TC-T. GRCh37 (hg19) VCF-style: chr6-12164257-TC-T.
Other names: short protein forms Q2575fs.
Identifiers: ClinVar variation 5000479 (VCV005000479.1).

ClinVar aggregate classification (germline): Uncertain significance (1 of 4 stars; one submission).

Conditions:
HIVEP1-related disorder. Also called: HIVEP1-related condition.

Submission:

PreventionGenetics, part of Exact Sciences
Classification: Uncertain significance for HIVEP1-related condition. Last evaluated: 2026-01-14. Review status: criteria provided, single submitter. Criteria: ACMG Guidelines, 2015. Collection method: clinical testing. Allele origin: germline.
Comment: The HIVEP1 c.7723delC variant is predicted to result in a frameshift and premature protein termination (p.Gln2575Lysfs*14). To our knowledge, this variant has not been reported in the literature. This variant is reported in 0.0083% of alleles in individuals of African descent in gnomAD. At this time, the clinical significance of this variant is uncertain due to the absence of conclusive functional and genetic evidence.